The following is an entry in ClinVar:

ClinVar aggregate classification (germline): Uncertain significance. Review status: criteria provided, single submitter (1 of 4 stars). 2 submissions from 2 submitters: Uncertain significance (1). 1 of the submissions does not count toward it. Last evaluated 2022-02-08.

Conditions:
Autosomal recessive osteopetrosis 1. Also called: ALBERS-SCHONBERG DISEASE, AUTOSOMAL RECESSIVE; TCIRG1-Related Osteopetrosis; TCIRG1-Related Autosomal Recessive Osteopetrosis. Identifiers: Orphanet 667, MedGen C1850127, MONDO:0009815, OMIM 259700.

Allele frequency attached by ClinVar (database versions not stated): TOPMed 0.00001.
gnomAD v4.1: 1 of 1,547,262 alleles (0.000065%); highest among the groups gnomAD compares: Admixed American, 0.002%; no homozygotes.

Submissions (2):

Labcorp Genetics (formerly Invitae), Labcorp
Classification: Uncertain significance. Last evaluated: 2022-02-08. Review status: criteria provided, single submitter. Criteria: Invitae Variant Classification Sherloc (09022015). Collection method: clinical testing. Allele origin: germline.
Comment: This sequence change replaces arginine, which is basic and polar, with proline, which is neutral and non-polar, at codon 103 of the TCIRG1 protein (p.Arg103Pro). This variant is not present in population databases (gnomAD no frequency). This variant has not been reported in the literature in individuals affected with TCIRG1-related conditions. ClinVar contains an entry for this variant (Variation ID: 1045757). Algorithms developed to predict the effect of missense changes on protein structure and function are either unavailable or do not agree on the potential impact of this missense change (SIFT: "Tolerated"; PolyPhen-2: "Probably Damaging"; Align-GVGD: "Class C0"). In summary, the available evidence is currently insufficient to determine the role of this variant in disease. Therefore, it has been classified as a Variant of Uncertain Significance.

Natera, Inc.
Classification: Uncertain significance for Infantile malignant osteopetrosis. Last evaluated: 2021-08-16. Review status: no assertion criteria provided. Collection method: clinical testing. Allele origin: germline. Not counted in ClinVar's aggregate classification.

NM_006019.4(TCIRG1):c.308G>C (p.Arg103Pro)

Gene: TCIRG1 (T cell immune regulator 1, ATPase H+ transporting V0 subunit a3; plus strand). Cytogenetic location: 11q13.2.
Variant type: single nucleotide variant.
Coding change: c.308G>C on transcript NM_006019.4 (MANE Select); coding-DNA position 308, G replaced by C.
Protein change: p.Arg103Pro; replaces arginine 103 with proline.
Molecular consequence: missense variant. On other transcripts: 5 prime UTR variant (1).
Genome position (GRCh38, 1-based): chr11:68,042,754, G>C. VCF-style: chr11-68042754-G-C. GRCh37 (hg19) VCF-style: chr11-67810221-G-C.
Other names: c.-942G>C (NM_001351059.2); short protein forms R103P.
Identifiers: ClinVar variation 1045757 (VCV001045757.7), dbSNP rs775326246, ClinGen allele CA381575923.
Genomic context (GRCh38, chr11:68,042,754, plus strand): 5'-AGGGGAGGCTGCCGGCACCCCCACCCCGGGACCTGCTGCGCATCCAGGAGGAGACGGAGC[G>C]CCTGGCCCAGGAGCTGCGGGATGTGCGGGGCAACCAGCAGGCCCTGCGGGCCCAGCTGCA-3'
Protein context (NP_006010.2, residues 93-113): DLLRIQEETE[Arg103Pro]LAQELRDVRG